The following is an entry in ClinVar:

NM_001330723.2(SNX27):c.422A>T (p.Asp141Val)

Gene: SNX27 (sorting nexin 27; plus strand). Cytogenetic location: 1q21.3.
Variant type: single nucleotide variant.
Coding change: c.422A>T on transcript NM_001330723.2 (MANE Select); coding-DNA position 422, A replaced by T.
Protein change: p.Asp141Val; replaces aspartic acid 141 with valine.
Molecular consequence: missense variant.
Genome position (GRCh38, 1-based): chr1:151,638,998, A>T. VCF-style: chr1-151638998-A-T. GRCh37 (hg19) VCF-style: chr1-151611474-A-T.
Other names: c.422A>T, p.Asp141Val (NM_030918.6); short protein forms D141V.
Identifiers: ClinVar variation 665660 (VCV000665660.7), dbSNP rs1300183081, ClinGen allele CA341982250.

ClinVar aggregate classification (germline): Uncertain significance. Review status: criteria provided, multiple submitters, no conflicts (2 of 4 stars). 2 submissions from 2 submitters: Uncertain significance (2). Last evaluated 2022-06-23.

Conditions:
Inborn genetic diseases. Identifiers: MedGen C0950123, MeSH D030342.
Severe myoclonic epilepsy in infancy (DRVT). Also called: Severe Myoclonic Epilepsy in Infancy (SMEI); Dravet syndrome; SEVERE MYOCLONIC EPILEPSY OF INFANCY; DEVELOPMENTAL AND EPILEPTIC ENCEPHALOPATHY 6A; Epileptic encephalopathy, early infantile, 6 (Dravet syndrome). Identifiers: Orphanet 33069, MedGen C0751122, MONDO:0100135, OMIM 607208.

Allele frequency attached by ClinVar (database versions not stated): gnomAD exomes 0.00001 and 0.00009; TOPMed 0.00003; gnomAD 0.00007.
gnomAD v4.1: 135 of 1,614,096 alleles (0.0084%); highest among the groups gnomAD compares: Non-Finnish European, 0.011%; no homozygotes.

Submissions (2):

Labcorp Genetics (formerly Invitae), Labcorp
Classification: Uncertain significance for Severe myoclonic epilepsy in infancy. Last evaluated: 2022-06-23. Review status: criteria provided, single submitter. Criteria: Invitae Variant Classification Sherloc (09022015). Collection method: clinical testing. Allele origin: germline.
Comment: This sequence change replaces aspartic acid, which is acidic and polar, with valine, which is neutral and non-polar, at codon 141 of the SNX27 protein (p.Asp141Val). This variant is present in population databases (no rsID available, gnomAD 0.003%). This variant has not been reported in the literature in individuals affected with SNX27-related conditions. ClinVar contains an entry for this variant (Variation ID: 665660). Algorithms developed to predict the effect of missense changes on protein structure and function are either unavailable or do not agree on the potential impact of this missense change (SIFT: "Deleterious"; PolyPhen-2: "Possibly Damaging"; Align-GVGD: "Class C0"). In summary, the available evidence is currently insufficient to determine the role of this variant in disease. Therefore, it has been classified as a Variant of Uncertain Significance.

Ambry Genetics
Classification: Uncertain significance for Inborn genetic diseases. Last evaluated: 2022-06-10. Review status: criteria provided, single submitter. Criteria: Ambry Variant Classification Scheme 2023. Collection method: clinical testing. Allele origin: germline.